The following is an entry in ClinVar:

NC_012920.1(MT-ND4L):m.10599G>A

Gene: MT-ND4L (mitochondrially encoded NADH dehydrogenase 4L; plus strand).
Variant type: single nucleotide variant.
Genome position: chrM-10599-G-A.
Identifiers: ClinVar variation 693299 (VCV000693299.1), dbSNP rs1603222910, ClinGen allele CA414806011.
Genomic context (GRCh38, chrMT:10,599, plus strand): 5'-TCACACCTCATATCCTCCCTACTATGCCTAGAAGGAATAATACTATCGCTGTTCATTATA[G>A]CTACTCTCATAACCCTCAACACCCACTCCCTCTTAGCCAATATTGTGCCTATTGCCATAC-3'

ClinVar aggregate classification (germline): Likely benign (1 of 4 stars; one submission).

Conditions:
Leigh syndrome (NULS). Also called: Leigh's necrotizing encephalopathy; Leigh's disease; Leigh Syndrome (mtDNA deletion); Leigh Disease; Subacute necrotizing encephalopathy; Necrotizing encephalopathy infantile subacute of Leigh. Identifiers: Orphanet 506, MedGen C2931891, MONDO:0009723, OMIM 256000.

Submission:

Wong Mito Lab, Molecular and Human Genetics, Baylor College of Medicine
Classification: Likely benign for Leigh syndrome. Last evaluated: 2019-10-17. Review status: criteria provided, single submitter. Criteria: Modified ACMG Guidelines (Unpublished). Collection method: clinical testing. Allele origin: germline.
Comment: The NC_012920.1:m.10599G>A (YP_003024034.1:p.Ala44Thr) variant in MTND4L gene is interpretated to be a Likely Benign variant based on the modified ACMG guidelines (unpublished). This variant meets the following evidence codes: BP4, BP5